The following is an entry in ClinVar:

ClinVar aggregate classification (germline): Uncertain significance (1 of 4 stars; one submission).

Conditions:
Oculofaciocardiodental syndrome (MCOPS2). Identifiers: Orphanet 2712, MedGen C1846265, MONDO:0010261, OMIM 300166.

Submission:

Labcorp Genetics (formerly Invitae), Labcorp
Classification: Uncertain significance for Oculofaciocardiodental syndrome. Last evaluated: 2023-09-20. Review status: criteria provided, single submitter. Criteria: Invitae Variant Classification Sherloc (09022015). Collection method: clinical testing. Allele origin: germline.
Comment: An algorithm developed to predict the effect of missense changes on protein structure and function (PolyPhen-2) suggests that this variant is likely to be tolerated. In summary, the available evidence is currently insufficient to determine the role of this variant in disease. Therefore, it has been classified as a Variant of Uncertain Significance. This variant has not been reported in the literature in individuals affected with BCOR-related conditions. This variant is not present in population databases (gnomAD no frequency). This sequence change replaces methionine, which is neutral and non-polar, with valine, which is neutral and non-polar, at codon 265 of the BCOR protein (p.Met265Val).

NM_001123385.2(BCOR):c.793A>G (p.Met265Val)

Genes: BCOR (BCL6 corepressor; minus strand), LOC126863239 (MED14-independent group 3 enhancer GRCh37_chrX:39932994-39934193; plus strand). Cytogenetic location: Xp11.4.
Variant type: single nucleotide variant.
Coding change: c.793A>G on transcript NM_001123385.2 (MANE Select); coding-DNA position 793, A replaced by G.
Protein change: p.Met265Val; replaces methionine 265 with valine.
Molecular consequence: missense variant.
Genome position (GRCh38, 1-based): chrX:40,074,553, T>C on the plus strand (A>G on the coding strand, the complement: BCOR is on the minus strand). VCF-style: chrX-40074553-T-C. GRCh37 (hg19) VCF-style: chrX-39933806-T-C.
Other names: c.793A>G, p.Met265Val (NM_001123383.2, NM_001123384.2, NM_017745.6); short protein forms M265V.
Identifiers: ClinVar variation 2884144 (VCV002884144.3), dbSNP rs2520086409, ClinGen allele CA412747966.